The following is an entry in ClinVar:

NM_001377334.1(PIK3C2B):c.4191C>A (p.His1397Gln)

Gene: PIK3C2B (phosphatidylinositol-4-phosphate 3-kinase catalytic subunit type 2 beta; minus strand). Cytogenetic location: 1q32.1.
Variant type: single nucleotide variant.
Coding change: c.4191C>A on transcript NM_001377334.1 (MANE Select); coding-DNA position 4191, C replaced by A.
Protein change: p.His1397Gln; replaces histidine 1397 with glutamine.
Molecular consequence: missense variant.
Genome position (GRCh38, 1-based): chr1:204,431,758, G>T on the plus strand (C>A on the coding strand, the complement: PIK3C2B is on the minus strand). VCF-style: chr1-204431758-G-T. GRCh37 (hg19) VCF-style: chr1-204400886-G-T.
Other names: c.4107C>A, p.His1369Gln (NM_001377335.1); c.4191C>A, p.His1397Gln (NM_002646.4); short protein forms H1397Q, H1369Q.
Identifiers: ClinVar variation 727202 (VCV000727202.5), dbSNP rs61748805, ClinGen allele CA1347215.

ClinVar aggregate classification (germline): Likely benign. Review status: criteria provided, single submitter (1 of 4 stars). 2 submissions from 2 submitters: Likely benign (1). 1 of the submissions does not count toward it. Last evaluated 2018-04-07.

Conditions:
PIK3C2B-related disorder. Also called: PIK3C2B-related condition.

Allele frequency attached by ClinVar (database versions not stated): 1000 Genomes Project 0.00080; 1000 Genomes Project 30x 0.00094; TOPMed 0.00187.

Submissions (2):

Labcorp Genetics (formerly Invitae), Labcorp
Classification: Likely benign. Last evaluated: 2018-04-07. Review status: criteria provided, single submitter. Criteria: Invitae Variant Classification Sherloc (09022015). Collection method: clinical testing. Allele origin: germline.

PreventionGenetics, part of Exact Sciences
Classification: Likely benign for PIK3C2B-related condition. Last evaluated: 2022-08-29. Review status: no assertion criteria provided. Collection method: clinical testing. Allele origin: germline. Not counted in ClinVar's aggregate classification.
Comment: This variant is classified as likely benign based on ACMG/AMP sequence variant interpretation guidelines (Richards et al. 2015 PMID: 25741868, with internal and published modifications).